The following is an entry in ClinVar:

ClinVar aggregate classification (germline): Benign (1 of 4 stars; one submission).

Submission:

GeneDx
Classification: Benign. Last evaluated: 2018-06-14. Review status: criteria provided, single submitter. Criteria: GeneDx Variant Classification (06012015). Collection method: clinical testing. Allele origin: germline. Affected: yes.
Comment: This variant is considered likely benign or benign based on one or more of the following criteria: it is a conservative change, it occurs at a poorly conserved position in the protein, it is predicted to be benign by multiple in silico algorithms, and/or has population frequency not consistent with disease.

NM_001854.4(COL11A1):c.1846-258_1846-255del

Gene: COL11A1 (collagen type XI alpha 1 chain; minus strand). Cytogenetic location: 1p21.1.
Variant type: Deletion.
Coding change: c.1846-258_1846-255del on transcript NM_001854.4 (MANE Select); 258 bases into the intron before coding-DNA position 1846 through 255 bases into the intron before coding-DNA position 1846, 4 bases deleted (CTTA; older notation c.1846-258_1846-255delCTTA).
Molecular consequence: intron variant.
Genome position (GRCh38, 1-based): chr1:103,004,916-103,004,919, TAAG deleted on the plus strand (CTTA on the coding strand, the reverse complement: COL11A1 is on the minus strand); deleting any 4 consecutive bases within chr1:103,004,916-103,004,921 gives the same sequence; the c. name uses the placement nearest the transcript's 3' end. VCF-style (leftmost placement, unchanged base first): chr1-103004915-ATAAG-A. GRCh37 (hg19) VCF-style: chr1-103470471-ATAAG-A.
Other names: c.1729-258_1729-255del (NM_001190709.2); c.1882-258_1882-255del (NM_080629.3); c.1498-258_1498-255del (NM_080630.4).
Identifiers: ClinVar variation 681262 (VCV000681262.1), dbSNP rs147077472, ClinGen allele CA27731116.